The following is an entry in ClinVar:

ClinVar aggregate classification (germline): Uncertain significance (1 of 4 stars; one submission).

Allele frequency attached by ClinVar (database versions not stated): gnomAD exomes 0.00001.

Submission:

Labcorp Genetics (formerly Invitae), Labcorp
Classification: Uncertain significance. Last evaluated: 2022-08-31. Review status: criteria provided, single submitter. Criteria: Invitae Variant Classification Sherloc (09022015). Collection method: clinical testing. Allele origin: germline.
Comment: In summary, the available evidence is currently insufficient to determine the role of this variant in disease. Therefore, it has been classified as a Variant of Uncertain Significance. Advanced modeling of protein sequence and biophysical properties (such as structural, functional, and spatial information, amino acid conservation, physicochemical variation, residue mobility, and thermodynamic stability) performed at Invitae indicates that this missense variant is not expected to disrupt KCNV2 protein function. ClinVar contains an entry for this variant (Variation ID: 1015165). This variant has not been reported in the literature in individuals affected with KCNV2-related conditions. This variant is not present in population databases (gnomAD no frequency). This sequence change replaces proline, which is neutral and non-polar, with serine, which is neutral and polar, at codon 541 of the KCNV2 protein (p.Pro541Ser).

NM_133497.4(KCNV2):c.1621C>T (p.Pro541Ser)

Gene: KCNV2 (potassium voltage-gated channel modifier subfamily V member 2; plus strand). Cytogenetic location: 9p24.2.
Variant type: single nucleotide variant.
Coding change: c.1621C>T on transcript NM_133497.4 (MANE Select); coding-DNA position 1621, C replaced by T.
Protein change: p.Pro541Ser; replaces proline 541 with serine.
Molecular consequence: missense variant.
Genome position (GRCh38, 1-based): chr9:2,729,710, C>T. VCF-style: chr9-2729710-C-T. GRCh37 (hg19) VCF-style: chr9-2729710-C-T.
Other names: short protein forms P541S.
Identifiers: ClinVar variation 1015165 (VCV001015165.8), dbSNP rs1820036201, ClinGen allele CA372803858.